The following is an entry in ClinVar:

ClinVar aggregate classification (germline): Uncertain significance (1 of 4 stars; one submission).

Conditions:
Inborn genetic diseases. Identifiers: MedGen C0950123, MeSH D030342.

Allele frequency attached by ClinVar (database versions not stated): gnomAD 0.00001; TOPMed 0.00002.
gnomAD v4.1: 1 of 1,526,008 alleles (0.000066%); highest among the groups gnomAD compares: African/African-American, 0.0014%; no homozygotes.

Submission:

Ambry Genetics
Classification: Uncertain significance for Inborn genetic diseases. Last evaluated: 2021-06-12. Review status: criteria provided, single submitter. Criteria: Ambry Variant Classification Scheme 2023. Collection method: clinical testing. Allele origin: germline.
Comment: The p.Q1263P variant (also known as c.3788A>C), located in coding exon 28 of the LTBP3 gene, results from an A to C substitution at nucleotide position 3788. The glutamine at codon 1263 is replaced by proline, an amino acid with similar properties. This amino acid position is conserved. In addition, the in silico prediction for this alteration is inconclusive. Since supporting evidence is limited at this time, the clinical significance of this alteration remains unclear.

NM_001130144.3(LTBP3):c.3788A>C (p.Gln1263Pro)

Gene: LTBP3 (latent transforming growth factor beta binding protein 3; minus strand). Cytogenetic location: 11q13.1.
Variant type: single nucleotide variant.
Coding change: c.3788A>C on transcript NM_001130144.3 (MANE Select); coding-DNA position 3788, A replaced by C.
Protein change: p.Gln1263Pro; replaces glutamine 1263 with proline.
Molecular consequence: missense variant.
Genome position (GRCh38, 1-based): chr11:65,539,204, T>G on the plus strand (A>C on the coding strand, the complement: LTBP3 is on the minus strand). VCF-style: chr11-65539204-T-G. GRCh37 (hg19) VCF-style: chr11-65306675-T-G.
Other names: c.3296A>C, p.Gln1099Pro (NM_001164266.1); c.3647A>C, p.Gln1216Pro (NM_021070.4); short protein forms Q1216P, Q1099P, Q1263P.
Identifiers: ClinVar variation 1734898 (VCV001734898.2), dbSNP rs1010749384, ClinGen allele CA224008168.